The following is an entry in ClinVar:

ClinVar aggregate classification (germline): Uncertain significance. Review status: criteria provided, multiple submitters, no conflicts (2 of 4 stars). 2 submissions from 2 submitters: Uncertain significance (2). Last evaluated 2024-08-13.

Conditions:
Inborn genetic diseases. Identifiers: MedGen C0950123, MeSH D030342.
Mosaic variegated aneuploidy syndrome 1 (MVA1). Also called: Warburton-Anyane-Yeboa syndrome. Identifiers: Orphanet 1052, MedGen C1850343, MONDO:0009759, OMIM 257300.

Allele frequency attached by ClinVar (database versions not stated): gnomAD exomes below 0.00001.
gnomAD v4.1: 1 of 1,614,086 alleles (0.000062%); highest among the groups gnomAD compares: African/African-American, 0.0013%; no homozygotes.

Submissions (2):

Labcorp Genetics (formerly Invitae), Labcorp
Classification: Uncertain significance for Mosaic variegated aneuploidy syndrome 1. Last evaluated: 2024-08-13. Review status: criteria provided, single submitter. Criteria: Invitae Variant Classification Sherloc (09022015). Collection method: clinical testing. Allele origin: germline.
Comment: This sequence change replaces proline, which is neutral and non-polar, with alanine, which is neutral and non-polar, at codon 605 of the BUB1B protein (p.Pro605Ala). This variant is not present in population databases (gnomAD no frequency). This variant has not been reported in the literature in individuals affected with BUB1B-related conditions. ClinVar contains an entry for this variant (Variation ID: 2585905). An algorithm developed to predict the effect of missense changes on protein structure and function (PolyPhen-2) suggests that this variant is likely to be disruptive. In summary, the available evidence is currently insufficient to determine the role of this variant in disease. Therefore, it has been classified as a Variant of Uncertain Significance.

Ambry Genetics
Classification: Uncertain significance for Inborn genetic diseases. Last evaluated: 2023-06-18. Review status: criteria provided, single submitter. Criteria: Ambry Variant Classification Scheme 2023. Collection method: clinical testing. Allele origin: germline.
Comment: The p.P605A variant (also known as c.1813C>G), located in coding exon 15 of the BUB1B gene, results from a C to G substitution at nucleotide position 1813. The proline at codon 605 is replaced by alanine, an amino acid with highly similar properties. This amino acid position is conserved. In addition, the in silico prediction for this alteration is inconclusive. Since supporting evidence is limited at this time, the clinical significance of this alteration remains unclear.

NM_001211.6(BUB1B):c.1813C>G (p.Pro605Ala)

Gene: BUB1B (BUB1 mitotic checkpoint serine/threonine kinase B; plus strand). Cytogenetic location: 15q15.1.
Variant type: single nucleotide variant.
Coding change: c.1813C>G on transcript NM_001211.6 (MANE Select); coding-DNA position 1813, C replaced by G.
Protein change: p.Pro605Ala; replaces proline 605 with alanine.
Molecular consequence: missense variant.
Genome position (GRCh38, 1-based): chr15:40,206,262, C>G. VCF-style: chr15-40206262-C-G. GRCh37 (hg19) VCF-style: chr15-40498463-C-G.
Other names: short protein forms P605A.
Identifiers: ClinVar variation 2585905 (VCV002585905.4), dbSNP rs2542564766, ClinGen allele CA391692446.